The following is an entry in ClinVar:

NM_004304.5(ALK):c.4486A>G (p.Arg1496Gly)

Gene: ALK (ALK receptor tyrosine kinase; minus strand). Cytogenetic location: 2p23.2.
Variant type: single nucleotide variant.
Coding change: c.4486A>G on transcript NM_004304.5 (MANE Select); coding-DNA position 4486, A replaced by G.
Protein change: p.Arg1496Gly; replaces arginine 1496 with glycine.
Molecular consequence: missense variant.
Genome position (GRCh38, 1-based): chr2:29,193,601, T>C on the plus strand (A>G on the coding strand, the complement: ALK is on the minus strand). VCF-style: chr2-29193601-T-C. GRCh37 (hg19) VCF-style: chr2-29416467-T-C.
Other names: c.4486A>G (NM_004304.4); c.1282A>G, p.Arg428Gly (NM_001353765.2); short protein forms R428G, R1496G.
Identifiers: ClinVar variation 1356066 (VCV001356066.10), dbSNP rs1378185030, ClinGen allele CA346461277.
Genomic context (GRCh38, chr2:29,193,601, plus strand): 5'-TGGGTTTCTCTGTAAACCAGGAGCCGTACGTTGGGTTCCACAAGCTGGTGGGCTTGTTTC[T>C]GGATCCGTGGACCTTGTGCAACTCCGAAGGAGGGTTGGACTGAGAGAATGCCATATTCAC-3'
Protein context (NP_004295.2, residues 1486-1506): PSELHKVHGS[Arg1496Gly]NKPTSLWNPT

ClinVar aggregate classification (germline): Uncertain significance. Review status: criteria provided, multiple submitters, no conflicts (2 of 4 stars). 3 submissions from 3 submitters: Uncertain significance (3). Last evaluated 2024-05-10.

Conditions:
Neuroblastoma, susceptibility to, 3. Also called: ALK-Related Neuroblastic Tumor Susceptibility. Identifiers: Orphanet 635, MedGen C2751681, MONDO:0013083, OMIM 613014.
Hereditary cancer-predisposing syndrome. Also called: Hereditary Cancer Syndrome; Hereditary neoplastic syndrome; Tumor predisposition; Neoplastic Syndromes, Hereditary. Identifiers: Orphanet 140162, MedGen C0027672, MeSH D009386, MONDO:0015356.

Submissions (3):

Ambry Genetics
Classification: Uncertain significance for Hereditary cancer-predisposing syndrome. Last evaluated: 2024-05-10. Review status: criteria provided, single submitter. Criteria: Ambry Variant Classification Scheme 2023. Collection method: clinical testing. Allele origin: germline.
Comment: The p.R1496G variant (also known as c.4486A>G), located in coding exon 29 of the ALK gene, results from an A to G substitution at nucleotide position 4486. The arginine at codon 1496 is replaced by glycine, an amino acid with dissimilar properties. This amino acid position is conserved. In addition, this alteration is predicted to be deleterious by in silico analysis. Based on the available evidence, the clinical significance of this variant remains unclear.

Baylor Genetics
Classification: Uncertain significance for Neuroblastoma, susceptibility to, 3. Last evaluated: 2023-11-29. Review status: criteria provided, single submitter. Criteria: ACMG Guidelines, 2015. Collection method: clinical testing. Allele origin: unknown.

Labcorp Genetics (formerly Invitae), Labcorp
Classification: Uncertain significance for Neuroblastoma, susceptibility to, 3. Last evaluated: 2022-09-07. Review status: criteria provided, single submitter. Criteria: Invitae Variant Classification Sherloc (09022015). Collection method: clinical testing. Allele origin: germline.
Comment: In summary, the available evidence is currently insufficient to determine the role of this variant in disease. Therefore, it has been classified as a Variant of Uncertain Significance. Algorithms developed to predict the effect of missense changes on protein structure and function are either unavailable or do not agree on the potential impact of this missense change (SIFT: "Deleterious"; PolyPhen-2: "Probably Damaging"; Align-GVGD: "Class C0"). ClinVar contains an entry for this variant (Variation ID: 1356066). This variant has not been reported in the literature in individuals affected with ALK-related conditions. This variant is not present in population databases (gnomAD no frequency). This sequence change replaces arginine, which is basic and polar, with glycine, which is neutral and non-polar, at codon 1496 of the ALK protein (p.Arg1496Gly).